The following is an entry in ClinVar:

NM_207352.4(CYP4V2):c.1049A>G (p.Glu350Gly)

Gene: CYP4V2 (cytochrome P450 family 4 subfamily V member 2; plus strand). Cytogenetic location: 4q35.2.
Variant type: single nucleotide variant.
Coding change: c.1049A>G on transcript NM_207352.4 (MANE Select); coding-DNA position 1049, A replaced by G.
Protein change: p.Glu350Gly; replaces glutamic acid 350 with glycine.
Molecular consequence: missense variant.
Genome position (GRCh38, 1-based): chr4:186,205,261, A>G. VCF-style: chr4-186205261-A-G. GRCh37 (hg19) VCF-style: chr4-187126415-A-G.
Other names: short protein forms E350G.
Identifiers: ClinVar variation 857971 (VCV000857971.8), dbSNP rs775369379, ClinGen allele CA3162728.

ClinVar aggregate classification (germline): Uncertain significance. Review status: criteria provided, multiple submitters, no conflicts (2 of 4 stars). 2 submissions from 2 submitters: Uncertain significance (2). Last evaluated 2024-10-29.

Allele frequency attached by ClinVar (database versions not stated): ExAC 0.00001; gnomAD 0.00001 and 0.00003; TOPMed 0.00002; gnomAD exomes 0.00003 and 0.00004.
gnomAD v4.1: 51 of 1,614,128 alleles (0.0032%); highest among the groups gnomAD compares: Admixed American, 0.0067%; no homozygotes.

Submissions (2):

Labcorp Genetics (formerly Invitae), Labcorp
Classification: Uncertain significance. Last evaluated: 2024-10-29. Review status: criteria provided, single submitter. Criteria: Invitae Variant Classification Sherloc (09022015). Collection method: clinical testing. Allele origin: germline.
Comment: This sequence change replaces glutamic acid, which is acidic and polar, with glycine, which is neutral and non-polar, at codon 350 of the CYP4V2 protein (p.Glu350Gly). This variant is present in population databases (rs775369379, gnomAD 0.009%). This variant has not been reported in the literature in individuals affected with CYP4V2-related conditions. ClinVar contains an entry for this variant (Variation ID: 857971). Invitae Evidence Modeling of protein sequence and biophysical properties (such as structural, functional, and spatial information, amino acid conservation, physicochemical variation, residue mobility, and thermodynamic stability) has been performed for this missense variant. However, the output from this modeling did not meet the statistical confidence thresholds required to predict the impact of this variant on CYP4V2 protein function. In summary, the available evidence is currently insufficient to determine the role of this variant in disease. Therefore, it has been classified as a Variant of Uncertain Significance.

Blueprint Genetics
Classification: Uncertain significance. Last evaluated: 2024-08-08. Review status: criteria provided, single submitter. Criteria: ACMG Guidelines, 2015. Collection method: clinical testing. Allele origin: germline.